The following is an entry in ClinVar:

ClinVar aggregate classification (germline): Pathogenic/Likely pathogenic. Review status: criteria provided, multiple submitters, no conflicts (2 of 4 stars). 7 submissions from 7 submitters: Pathogenic (1); Likely pathogenic (6). Last evaluated 2026-03-11.

Conditions:
Joubert syndrome and related disorders. Identifiers: Orphanet 140874, MedGen C5679612, MONDO:0015369.
Joubert syndrome. Also called: Familial aplasia of the vermis; JOUBERT-BOLTSHAUSER SYNDROME. Identifiers: Orphanet 475, MedGen C5979921, MONDO:0018772.
COACH syndrome 3. Identifiers: MedGen C5436841, MONDO:0030862, OMIM 619113.
Meckel syndrome, type 5 (MKS5). Identifiers: Orphanet 564, MedGen C1969052, MONDO:0012695, OMIM 611561.
Joubert syndrome 7 (JBTS7). Identifiers: Orphanet 220497, MedGen C1969053, MONDO:0012694, OMIM 611560.
RPGRIP1L-related disorder. Also called: RPGRIP1L-related disorders; RPGRIP1L-related condition. Identifiers: MedGen CN239416.
Meckel-Gruber syndrome. Also called: DYSENCEPHALIA SPLANCHNOCYSTICA; Dysencephalia splachnocystica; GRUBER SYNDROME. Identifiers: Orphanet 564, MedGen C0265215, MONDO:0018921.

Allele frequency attached by ClinVar (database versions not stated): gnomAD 0.00001; gnomAD exomes 0.00001; TOPMed 0.00002.
gnomAD v4.1: 5 of 1,613,280 alleles (0.00031%); highest among the groups gnomAD compares: African/African-American, 0.0027%; no homozygotes.

Submissions (7):

PreventionGenetics, part of Exact Sciences
Classification: Likely pathogenic for RPGRIP1L-related condition. Last evaluated: 2026-03-11. Review status: criteria provided, single submitter. Criteria: ACMG Guidelines, 2015. Collection method: clinical testing. Allele origin: germline.
Comment: The RPGRIP1L c.751C>T variant is predicted to result in premature protein termination (p.Arg251*). To our knowledge, this variant has not been reported in the literature. This variant is reported in 0.0062% of alleles in individuals of African descent in gnomAD. Nonsense variants in RPGRIP1L are expected to be pathogenic. This variant is interpreted as likely pathogenic.

Blueprint Genetics
Classification: Likely pathogenic for RPGRIP1L-related disorders. Last evaluated: 2024-11-13. Review status: criteria provided, single submitter. Criteria: ACMG Guidelines, 2015. Collection method: clinical testing. Allele origin: germline. Affected: yes. Observed: 2 variant alleles.

Fulgent Genetics
Classification: Likely pathogenic for Joubert syndrome 7; Meckel syndrome, type 5; COACH syndrome 3. Last evaluated: 2024-06-17. Review status: criteria provided, single submitter. Criteria: ACMG Guidelines, 2015. Collection method: clinical testing. Allele origin: germline.

Natera, Inc.
Classification: Likely pathogenic for Joubert syndrome. Last evaluated: 2024-03-26. Review status: criteria provided, single submitter. Criteria: Natera Variant Classification Schema (03/2026). Collection method: clinical testing. Allele origin: germline.
Comment: The c.751C>T variant in RPGRIP1L is a nonsense variant predicted to introduce a stop codon at amino acid 251. This variant is expected to result in nonsense mediated decay, truncation, or a dysfunctional protein product. This variant is rare in the general population with a frequency below the threshold expected for the associated phenotype(s). Given the available evidence, this variant is classified as Likely Pathogenic.

Labcorp Genetics (formerly Invitae), Labcorp
Classification: Pathogenic for Joubert syndrome; Meckel-Gruber syndrome. Last evaluated: 2023-08-28. Review status: criteria provided, single submitter. Criteria: Invitae Variant Classification Sherloc (09022015). Collection method: clinical testing. Allele origin: germline.
Comment: ClinVar contains an entry for this variant (Variation ID: 931822). For these reasons, this variant has been classified as Pathogenic. This variant has not been reported in the literature in individuals affected with RPGRIP1L-related conditions. This variant is present in population databases (no rsID available, gnomAD 0.007%). This sequence change creates a premature translational stop signal (p.Arg251*) in the RPGRIP1L gene. It is expected to result in an absent or disrupted protein product. Loss-of-function variants in RPGRIP1L are known to be pathogenic (PMID: 17558409).

Women's Health and Genetics/Laboratory Corporation of America, LabCorp
Classification: Likely pathogenic for Joubert syndrome and related disorders. Last evaluated: 2022-05-12. Review status: criteria provided, single submitter. Criteria: LabCorp Variant Classification Summary - May 2015. Collection method: clinical testing. Allele origin: germline.
Comment: Variant summary: RPGRIP1L c.751C>T (p.Arg251X) results in a premature termination codon, predicted to cause a truncation of the encoded protein or absence of the protein due to nonsense mediated decay, which are commonly known mechanisms for disease. Truncations downstream of this position have been classified as pathogenic by our laboratory. The variant allele was found at a frequency of 8e-06 in 250894 control chromosomes (gnomAD). To our knowledge, no occurrence of c.751C>T in individuals affected with Joubert Syndrome And Related Disorders and no experimental evidence demonstrating its impact on protein function have been reported. Two ClinVar submitters (evaluation after 2014) cite the variant as pathogenic and likely pathogenic. Based on the evidence outlined above, the variant was classified as likely pathogenic.

Centre for Mendelian Genomics, University Medical Centre Ljubljana
Classification: Likely pathogenic for Joubert syndrome 7. Last evaluated: 2020-03-26. Review status: criteria provided, single submitter. Criteria: ACMG Guidelines, 2015. Collection method: clinical testing. Allele origin: unknown. Affected: yes.
Comment: This variant was classified as: Likely pathogenic. The following ACMG criteria were applied in classifying this variant: PVS1,PM2.

Literature cited by the submitters: PubMed 17558409 (cited by Labcorp Genetics (formerly Invitae), Labcorp).

NM_015272.5(RPGRIP1L):c.751C>T (p.Arg251Ter)

Gene: RPGRIP1L (RPGRIP1 like; minus strand). Cytogenetic location: 16q12.2.
Variant type: single nucleotide variant.
Coding change: c.751C>T on transcript NM_015272.5 (MANE Select); coding-DNA position 751, C replaced by T.
Protein change: p.Arg251Ter; replaces arginine 251 with a stop codon.
Molecular consequence: nonsense.
Genome position (GRCh38, 1-based): chr16:53,686,458, G>A on the plus strand (C>T on the coding strand, the complement: RPGRIP1L is on the minus strand). VCF-style: chr16-53686458-G-A. GRCh37 (hg19) VCF-style: chr16-53720370-G-A.
Other names: c.751C>T, p.Arg251Ter (NM_001127897.4, NM_001308334.3, NM_001330538.2); short protein forms R251*.
Identifiers: ClinVar variation 931822 (VCV000931822.17), dbSNP rs993394322, ClinGen allele CA281371218.